The following is an entry in ClinVar:

NM_000218.3(KCNQ1):c.1596G>A (p.Ala532=)

Gene: KCNQ1 (potassium voltage-gated channel subfamily Q member 1; plus strand). Cytogenetic location: 11p15.5.
Variant type: single nucleotide variant.
Coding change: c.1596G>A on transcript NM_000218.3 (MANE Select); coding-DNA position 1596, G replaced by A.
Protein change: p.Ala532=; no amino-acid change (alanine 532 retained).
Molecular consequence: synonymous variant.
Genome position (GRCh38, 1-based): chr11:2,775,965, G>A. VCF-style: chr11-2775965-G-A. GRCh37 (hg19) VCF-style: chr11-2797195-G-A.
Other names: c.1500G>A, p.Ala500= (NM_001406836.1); c.1326G>A, p.Ala442= (NM_001406837.1); c.1056G>A, p.Ala352= (NM_001406838.1); c.1215G>A, p.Ala405= (NM_181798.2).
Identifiers: ClinVar variation 456859 (VCV000456859.18), dbSNP rs558452873, ClinGen allele CA031411.
Genomic context (GRCh38, chr11:2,775,965, plus strand): 5'-GCCACATGGCTGGGGCACAGGGAGGAGAAGTGATGCGTGTCTTTTTGTCCCGCAGCAAGC[G>A]CGGAAGCCTTACGATGTGCGGGACGTCATTGAGCAGTACTCGCAGGGCCACCTCAACCTC-3'
Protein context (NP_000209.2, residues 522-542): YFVAKKKFQQ[Ala532=]RKPYDVRDVI

ClinVar aggregate classification (germline): Likely benign. Review status: criteria provided, multiple submitters, no conflicts (2 of 4 stars). 4 submissions from 4 submitters: Likely benign (4). Last evaluated 2025-12-22.

Conditions:
Cardiovascular phenotype. Identifiers: MedGen CN230736.
Cardiac arrhythmia. Also called: Cardiac rhythm disease; Arrhythmia. Identifiers: MedGen C0003811, MONDO:0007263, HP:0011675.
Long QT syndrome (LQTS). Identifiers: MedGen C0023976, MeSH D008133, MONDO:0002442. Disease mechanism: loss of function. Inheritance: Various modes of inheritance.

Allele frequency attached by ClinVar (database versions not stated): ExAC below 0.00001; TOPMed 0.00003; gnomAD 0.00006.
gnomAD v4.1: 26 of 1,559,436 alleles (0.0017%); highest among the groups gnomAD compares: African/African-American, 0.0041%; no homozygotes.

Submissions (4):

Labcorp Genetics (formerly Invitae), Labcorp
Classification: Likely benign for Long QT syndrome. Last evaluated: 2025-12-22. Review status: criteria provided, single submitter. Criteria: Invitae Variant Classification Sherloc (09022015). Collection method: clinical testing. Allele origin: germline.

All of Us Research Program, National Institutes of Health
Classification: Likely benign for Long QT syndrome. Last evaluated: 2023-12-18. Review status: criteria provided, single submitter. Criteria: ACMG Guidelines, 2015. Collection method: clinical testing. Allele origin: germline. Inheritance: Autosomal dominant inheritance. Observed: 6 variant alleles, 6 heterozygotes.
Comment: This study involves interpretation of variants in research participants for the purpose of population health screening. Participant phenotype was not available at the time of variant classification. Additional details can be found in publication PMID: 35346344, PMCID: PMC8962531

Ambry Genetics
Classification: Likely benign for Cardiovascular phenotype. Last evaluated: 2022-11-02. Review status: criteria provided, single submitter. Criteria: Ambry Variant Classification Scheme 2023. Collection method: clinical testing. Allele origin: germline.

Color Diagnostics, LLC DBA Color Health
Classification: Likely benign for Arrhythmia. Last evaluated: 2018-10-08. Review status: criteria provided, single submitter. Criteria: ACMG Guidelines, 2015. Collection method: clinical testing. Allele origin: germline.